The following is an entry in ClinVar:

NM_178424.2(SOX30):c.163T>C (p.Cys55Arg)

Gene: SOX30 (SRY-box transcription factor 30; minus strand). Cytogenetic location: 5q33.3.
Variant type: single nucleotide variant.
Coding change: c.163T>C on transcript NM_178424.2 (MANE Select); coding-DNA position 163, T replaced by C.
Protein change: p.Cys55Arg; replaces cysteine 55 with arginine.
Molecular consequence: missense variant. On other transcripts: intron variant (1).
Genome position (GRCh38, 1-based): chr5:157,651,916, A>G on the plus strand (T>C on the coding strand, the complement: SOX30 is on the minus strand). VCF-style: chr5-157651916-A-G. GRCh37 (hg19) VCF-style: chr5-157078924-A-G.
Other names: c.163T>C, p.Cys55Arg (NM_007017.3); c.53-3020T>C (NM_001308165.2); short protein forms C55R.
Identifiers: ClinVar variation 5018491 (VCV005018491.1).

ClinVar aggregate classification (germline): Uncertain significance (0 of 4 stars; one submission).

Conditions:
SOX30-related male infertility.

gnomAD v4.1: 15,339 of 1,516,184 alleles (1%); highest among the groups gnomAD compares: South Asian, 2.7%; 138 homozygotes.

Submission:

Comprehensive Genetics Center Lab, Royan Institute
Classification: Uncertain significance for SOX30-related male infertility. Last evaluated: 2026-09-23. Review status: no assertion criteria provided. Collection method: clinical testing. Allele origin: germline. Inheritance: Autosomal recessive inheritance. Affected: yes. Observed: 1 variant allele, 1 compound heterozygote.
Comment: The substituted residue is conserved. The substituted residue is conserved.MutPred2 assigned a g-score of 0.285 and did not identify an actionable molecular mechanism with a p-value ≤0.05. mCSM-based analysis of the predicted effects of the variant on SOX30–DNA binding affinity yielded an RSA of 113.0% and a predicted ΔΔG of −0.7, with a predicted destabilizing effect. These computational findings suggest that p.Cys55Arg may affect SOX30 structure and/or its interaction with DNA; however, computational evidence alone is insufficient to establish a disease-causing effect. Therefore, the variant is classified as a variant of uncertain significance (VUS).

Literature cited by the submitters: DOI 10.1093/biolre/ioaf258.